The following is an entry in ClinVar:

NM_014423.4(AFF4):c.2236G>C (p.Glu746Gln)

Gene: AFF4 (ALF transcription elongation factor 4; minus strand). Cytogenetic location: 5q31.1.
Variant type: single nucleotide variant.
Coding change: c.2236G>C on transcript NM_014423.4 (MANE Select); coding-DNA position 2236, G replaced by C.
Protein change: p.Glu746Gln; replaces glutamic acid 746 with glutamine.
Molecular consequence: missense variant.
Genome position (GRCh38, 1-based): chr5:132,896,394, C>G on the plus strand (G>C on the coding strand, the complement: AFF4 is on the minus strand). VCF-style: chr5-132896394-C-G. GRCh37 (hg19) VCF-style: chr5-132232086-C-G.
Other names: short protein forms E746Q.
Identifiers: ClinVar variation 1465644 (VCV001465644.8), dbSNP rs2150072399, ClinGen allele CA360933045.
Genomic context (GRCh38, chr5:132,896,394, plus strand): 5'-TCTTGCCTTTGTTGGAAACTTTTTCTGAGGCTTGTTTCTGAGCCTCTCTCGTGTGCTTTT[C>G]TGGCACATTTTTCTTTTCCCCCTTGGGCGGCTCTGTTTCTTTGTAAGGCTTTCCTGGTAT-3'
Protein context (NP_055238.1, residues 736-756): PPKGEKKNVP[Glu746Gln]KHTREAQKQA

ClinVar aggregate classification (germline): Uncertain significance (1 of 4 stars; one submission).

Conditions:
Cognitive impairment - coarse facies - heart defects - obesity - pulmonary involvement - short stature - skeletal dysplasia syndrome. Also called: COGNITIVE IMPAIRMENT, COARSE FACIES, HEART DEFECTS, OBESITY, PULMONARY INVOLVEMENT, SHORT STATURE, AND SKELETAL DYSPLASIA; Chops syndrome; AFF4-Related CHOPS Syndrome. Identifiers: Orphanet 444077, MedGen C4085597, MONDO:0014609, OMIM 616368.

Submission:

Labcorp Genetics (formerly Invitae), Labcorp
Classification: Uncertain significance for Cognitive impairment - coarse facies - heart defects - obesity - pulmonary involvement - short stature - skeletal dysplasia syndrome. Last evaluated: 2023-07-10. Review status: criteria provided, single submitter. Criteria: Invitae Variant Classification Sherloc (09022015). Collection method: clinical testing. Allele origin: germline.
Comment: In summary, the available evidence is currently insufficient to determine the role of this variant in disease. Therefore, it has been classified as a Variant of Uncertain Significance. This sequence change replaces glutamic acid, which is acidic and polar, with glutamine, which is neutral and polar, at codon 746 of the AFF4 protein (p.Glu746Gln). This variant is not present in population databases (gnomAD no frequency). This variant has not been reported in the literature in individuals affected with AFF4-related conditions. ClinVar contains an entry for this variant (Variation ID: 1465644). Advanced modeling of protein sequence and biophysical properties (such as structural, functional, and spatial information, amino acid conservation, physicochemical variation, residue mobility, and thermodynamic stability) performed at Invitae indicates that this missense variant is not expected to disrupt AFF4 protein function.